The following is an entry in ClinVar:

NM_007289.4(MME):c.1602-294C>T

Gene: MME (membrane metalloendopeptidase; plus strand). Cytogenetic location: 3q25.2.
Variant type: single nucleotide variant.
Coding change: c.1602-294C>T on transcript NM_007289.4 (MANE Select); 294 bases into the intron before coding-DNA position 1602, C replaced by T.
Molecular consequence: intron variant.
Genome position (GRCh38, 1-based): chr3:155,160,096, C>T. VCF-style: chr3-155160096-C-T. GRCh37 (hg19) VCF-style: chr3-154877885-C-T.
Other names: c.1602-294C>T (NM_001354642.2, NM_000902.5, NM_007287.4 and 2 more transcripts).
Identifiers: ClinVar variation 1207127 (VCV001207127.3), dbSNP rs61760379, ClinGen allele CA86314894.

ClinVar aggregate classification (germline): Likely benign (1 of 4 stars; one submission).

Allele frequency attached by ClinVar (database versions not stated): gnomAD 0.01800 and 0.02091; TOPMed 0.02042; 1000 Genomes Project 30x 0.04263; 1000 Genomes Project 0.04692.
gnomAD v4.1: 3,167 of 152,106 alleles (2.1%); highest among the groups gnomAD compares: East Asian, 11%; 65 homozygotes.

Submission:

GeneDx
Classification: Likely benign. Last evaluated: 2018-07-31. Review status: criteria provided, single submitter. Criteria: GeneDx Variant Classification Process June 2021. Collection method: clinical testing. Allele origin: germline. Affected: yes.
Comment: This variant is associated with the following publications: (PMID: 15860464)